The following is an entry in ClinVar:

ClinVar aggregate classification (germline): Likely benign (1 of 4 stars; one submission).

Conditions:
PEX3-related disorder. Also called: PEX3-related condition.

gnomAD v4.1: 5 of 1,613,346 alleles (0.00031%); highest among the groups gnomAD compares: South Asian, 0.0055%; no homozygotes.

Submission:

PreventionGenetics, part of Exact Sciences
Classification: Likely benign for PEX3-related condition. Last evaluated: 2026-03-25. Review status: criteria provided, single submitter. Criteria: ACMG Guidelines, 2015. Collection method: clinical testing. Allele origin: germline.
Comment: This variant is classified as likely benign based on ACMG/AMP sequence variant interpretation guidelines (Richards et al. 2015 PMID: 25741868, with internal and published modifications).

NM_003630.3(PEX3):c.51C>A (p.Ile17=)

Gene: PEX3 (peroxisomal biogenesis factor 3; plus strand). Cytogenetic location: 6q24.2.
Variant type: single nucleotide variant.
Coding change: c.51C>A on transcript NM_003630.3 (MANE Select); coding-DNA position 51, C replaced by A.
Protein change: p.Ile17=; no amino-acid change (isoleucine 17 retained).
Molecular consequence: synonymous variant.
Genome position (GRCh38, 1-based): chr6:143,451,093, C>A. VCF-style: chr6-143451093-C-A. GRCh37 (hg19) VCF-style: chr6-143772230-C-A.
Identifiers: ClinVar variation 4997010 (VCV004997010.1).